The following is an entry in ClinVar:

NM_080680.3(COL11A2):c.3392G>A (p.Arg1131Gln)

Gene: COL11A2 (collagen type XI alpha 2 chain; minus strand). Cytogenetic location: 6p21.32.
Variant type: single nucleotide variant.
Coding change: c.3392G>A on transcript NM_080680.3 (MANE Select); coding-DNA position 3392, G replaced by A.
Protein change: p.Arg1131Gln; replaces arginine 1131 with glutamine.
Molecular consequence: missense variant.
Genome position (GRCh38, 1-based): chr6:33,170,892, C>T on the plus strand (G>A on the coding strand, the complement: COL11A2 is on the minus strand). VCF-style: chr6-33170892-C-T. GRCh37 (hg19) VCF-style: chr6-33138669-C-T.
Other names: c.3071G>A, p.Arg1024Gln (NM_080679.3); c.3134G>A, p.Arg1045Gln (NM_080681.3); short protein forms R1024Q, R1045Q, R1131Q.
Identifiers: ClinVar variation 1327903 (VCV001327903.33), dbSNP rs529015303, ClinGen allele CA3750516.

ClinVar aggregate classification (germline): Conflicting classifications of pathogenicity. Review status: criteria provided, conflicting classifications (1 of 4 stars). 4 submissions from 4 submitters: Uncertain significance (3); Likely benign (1). Last evaluated 2025-03-26.

Allele frequency attached by ClinVar (database versions not stated): gnomAD exomes 0.00002 and 0.00004; ExAC 0.00003; TOPMed 0.00005; 1000 Genomes Project 30x 0.00016; 1000 Genomes Project 0.00020; gnomAD 0.00001 and 0.00002.
gnomAD v4.1: 55 of 1,612,990 alleles (0.0034%); highest among the groups gnomAD compares: Middle Eastern, 0.016%; no homozygotes.

Submissions (4):

Labcorp Genetics (formerly Invitae), Labcorp
Classification: Likely benign. Last evaluated: 2025-03-26. Review status: criteria provided, single submitter. Criteria: Invitae Variant Classification Sherloc (09022015). Collection method: clinical testing. Allele origin: germline.

Blueprint Genetics
Classification: Uncertain significance. Last evaluated: 2024-07-13. Review status: criteria provided, single submitter. Criteria: ACMG Guidelines, 2015. Collection method: clinical testing. Allele origin: germline.

GeneDx
Classification: Uncertain significance. Last evaluated: 2024-05-28. Review status: criteria provided, single submitter. Criteria: GeneDx Variant Classification Process June 2021. Collection method: clinical testing. Allele origin: germline. Affected: yes.
Comment: Not observed at significant frequency in large population cohorts (gnomAD); In silico analysis supports that this missense variant has a deleterious effect on protein structure/function; Reported in association with non-syndromic hearing loss in published literature (PMID: 23967202, Ajam-Hosseini et al., 2024); This variant is associated with the following publications: (PMID: 29713870, Ajam-HosseiniM2024[Preprint], 23967202)

CeGaT Center for Human Genetics Tuebingen
Classification: Uncertain significance. Last evaluated: 2023-02-01. Review status: criteria provided, single submitter. Criteria: CeGaT Center For Human Genetics Tuebingen Variant Classification Criteria Version 2. Collection method: clinical testing. Allele origin: germline. Affected: yes. Observed: 1 variant allele.
Comment: COL11A2: PM2, PP3